The following is an entry in ClinVar:

ClinVar aggregate classification (germline): Likely pathogenic. Review status: criteria provided, multiple submitters, no conflicts (2 of 4 stars). 3 submissions from 3 submitters: Likely pathogenic (3). Last evaluated 2022-12-07.

Conditions:
Cardiomyopathy (CMYO). Also called: Cardiomyopathies. Identifiers: Orphanet 167848, MedGen C0878544, MONDO:0004994, HP:0001638. Inheritance: Various modes of inheritance.
Hypertrophic cardiomyopathy. Also called: HYPERTROPHIC MYOCARDIOPATHY. Identifiers: Orphanet 217569, MedGen C0007194, MeSH D002312, MONDO:0005045, HP:0001639.

gnomAD v4.1: 2 of 1,613,902 alleles (0.00012%); highest among the groups gnomAD compares: Non-Finnish European, 0.00017%; no homozygotes.

Submissions (3):

CHEO Genetics Diagnostic Laboratory, Children's Hospital of Eastern Ontario
Classification: Likely pathogenic for Cardiomyopathy. Last evaluated: 2022-12-07. Review status: criteria provided, single submitter. Criteria: ACMG Guidelines, 2015. Collection method: clinical testing. Allele origin: germline.

Revvity Omics, Revvity
Classification: Likely pathogenic. Last evaluated: 2022-11-03. Review status: criteria provided, single submitter. Criteria: ACMG Guidelines, 2015. Collection method: clinical testing. Allele origin: germline.

Labcorp Genetics (formerly Invitae), Labcorp
Classification: Likely pathogenic for Hypertrophic cardiomyopathy. Last evaluated: 2022-03-16. Review status: criteria provided, single submitter. Criteria: Invitae Variant Classification Sherloc (09022015). Collection method: clinical testing. Allele origin: germline.
Comment: This sequence change affects an acceptor splice site in intron 21 of the MYBPC3 gene. It is expected to disrupt RNA splicing. Variants that disrupt the donor or acceptor splice site typically lead to a loss of protein function (PMID: 16199547), and loss-of-function variants in MYBPC3 are known to be pathogenic (PMID: 19574547). This variant is not present in population databases (gnomAD no frequency). This variant has not been reported in the literature in individuals affected with MYBPC3-related conditions. Algorithms developed to predict the effect of sequence changes on RNA splicing suggest that this variant may disrupt the consensus splice site. In summary, the currently available evidence indicates that the variant is pathogenic, but additional data are needed to prove that conclusively. Therefore, this variant has been classified as Likely Pathogenic.

Literature cited by the submitters: PubMed 16199547 (cited by Labcorp Genetics (formerly Invitae), Labcorp); PubMed 19574547 (cited by Labcorp Genetics (formerly Invitae), Labcorp).

NM_000256.3(MYBPC3):c.2068-2A>G

Gene: MYBPC3 (myosin binding protein C3; minus strand). Cytogenetic location: 11p11.2.
Variant type: single nucleotide variant.
Coding change: c.2068-2A>G on transcript NM_000256.3 (MANE Select); the canonical splice acceptor site of the intron before coding-DNA position 2068, A replaced by G.
Molecular consequence: splice acceptor variant.
Genome position (GRCh38, 1-based): chr11:47,339,406, T>C on the plus strand (A>G on the coding strand, the complement: MYBPC3 is on the minus strand). VCF-style: chr11-47339406-T-C. GRCh37 (hg19) VCF-style: chr11-47360957-T-C.
Identifiers: ClinVar variation 1990793 (VCV001990793.7), dbSNP rs2495755085, ClinGen allele CA380321237.